The following is an entry in ClinVar:

ClinVar aggregate classification (germline): Uncertain significance (1 of 4 stars; one submission).

Conditions:
Pitt-Hopkins-like syndrome 2 (PTHSL2). Identifiers: Orphanet 221150, Orphanet 600663, MedGen C3280479, MONDO:0013690, OMIM 614325.

Submission:

Labcorp Genetics (formerly Invitae), Labcorp
Classification: Uncertain significance for Pitt-Hopkins-like syndrome 2. Last evaluated: 2021-07-12. Review status: criteria provided, single submitter. Criteria: Invitae Variant Classification Sherloc (09022015). Collection method: clinical testing. Allele origin: germline.
Comment: In summary, the available evidence is currently insufficient to determine the role of this variant in disease. Therefore, it has been classified as a Variant of Uncertain Significance. A similar copy number variant has been observed in individual(s) with clinical features of NRXN1-related conditions (PMID: 22617343). This variant is a gross deletion of the genomic region encompassing exon(s) 20-24 of the NRXN1 gene. The 5' boundary is likely confined to intron 19. The 3' end of this event is unknown as it extends through the termination codon beyond the assayed region for this gene and may encompass additional genes. While this deletion is not anticipated to lead to nonsense mediated decay, it is expected to alter mRNA translation or result in a truncated protein product.

Literature cited by the submitters: PubMed 22617343.

NC_000002.11:g.(?_49381385)_(50318652_?)del

Genes: FSHR (follicle stimulating hormone receptor; minus strand), NRXN1 (neurexin 1; minus strand). Cytogenetic location: 2p16.3.
Variant type: Deletion.
Identifiers: ClinVar variation 1373641 (VCV001373641.4).